The following is an entry in ClinVar:

ClinVar aggregate classification (germline): Uncertain significance (1 of 4 stars; one submission).

Conditions:
PLXNA4-related disorder. Also called: PLXNA4-related condition.

Allele frequency attached by ClinVar (database versions not stated): ExAC 0.00008; gnomAD 0.00002; gnomAD exomes 0.00005; TOPMed 0.00001.
gnomAD v4.1: 83 of 1,611,120 alleles (0.0052%); highest among the groups gnomAD compares: South Asian, 0.087%; no homozygotes.

Submission:

PreventionGenetics, part of Exact Sciences
Classification: Uncertain significance for PLXNA4-related condition. Last evaluated: 2026-04-28. Review status: criteria provided, single submitter. Criteria: ACMG Guidelines, 2015. Collection method: clinical testing. Allele origin: germline.
Comment: The PLXNA4 c.2378A>G variant is predicted to result in the amino acid substitution p.Asn793Ser. To our knowledge, this variant has not been reported in the literature. This variant is reported in 0.059% of alleles in individuals of South Asian descent in gnomAD. This variant could be benign, however, at this time, the clinical significance of this variant is uncertain due to the absence of conclusive functional and genetic evidence.

NM_020911.2(PLXNA4):c.2378A>G (p.Asn793Ser)

Gene: PLXNA4 (plexin A4; minus strand). Cytogenetic location: 7q32.3.
Variant type: single nucleotide variant.
Coding change: c.2378A>G on transcript NM_020911.2 (MANE Select); coding-DNA position 2378, A replaced by G.
Protein change: p.Asn793Ser; replaces asparagine 793 with serine.
Molecular consequence: missense variant.
Genome position (GRCh38, 1-based): chr7:132,203,340, T>C on the plus strand (A>G on the coding strand, the complement: PLXNA4 is on the minus strand). VCF-style: chr7-132203340-T-C. GRCh37 (hg19) VCF-style: chr7-131888099-T-C.
Other names: c.2378A>G, p.Asn793Ser (NM_001393897.1); short protein forms N793S.
Identifiers: ClinVar variation 2634816 (VCV002634816.2), dbSNP rs779740218, ClinGen allele CA4489811.
Genomic context (GRCh38, chr7:132,203,340, plus strand): 5'-TCCCTTCCCCTCCCTCCCCTGCTAGGCCCCAGCCCTTCCACACCTTTATTCTGAGCTGGG[T>C]TGTCAATGTTGAAGTGCCCATTCCACACGACTGTCAACTCCACGGGCAGGTTGTTGATCT-3'
Protein context (NP_065962.1, residues 783-803): VVWNGHFNID[Asn793Ser]PAQNKVHLYK